The following is an entry in ClinVar:

ClinVar aggregate classification (germline): Conflicting classifications of pathogenicity. Review status: criteria provided, conflicting classifications (1 of 4 stars). 6 submissions from 6 submitters: Uncertain significance (3); Likely benign (1). 2 of the submissions do not count toward it. Last evaluated 2025-11-01.

Conditions:
Myofibrillar myopathy 5. Also called: Filaminopathy (type); FILAMINOPATHY, AUTOSOMAL DOMINANT. Identifiers: Orphanet 171445, MedGen C1836050, MONDO:0012289, OMIM 609524.
Distal myopathy with posterior leg and anterior hand involvement. Also called: WILLIAMS DISTAL MYOPATHY. Identifiers: Orphanet 63273, MedGen C3279722, MONDO:0013550, OMIM 614065.
Hypertrophic cardiomyopathy 26. Also called: Cardiomyopathy, familial hypertrophic, 26. Identifiers: Orphanet 75249, MedGen C4310749, MONDO:0014883, OMIM 617047.
Cardiovascular phenotype. Identifiers: MedGen CN230736.

Allele frequency attached by ClinVar (database versions not stated): gnomAD exomes below 0.00001; gnomAD 0.00001; TOPMed 0.00001.
gnomAD v4.1: 8 of 1,614,066 alleles (0.0005%); highest among the groups gnomAD compares: South Asian, 0.0022%; no homozygotes.

Submissions (6):

CeGaT Center for Human Genetics Tuebingen
Classification: Uncertain significance. Last evaluated: 2025-11-01. Review status: criteria provided, single submitter. Criteria: CeGaT Center For Human Genetics Tuebingen Variant Classification Criteria Version 2. Collection method: clinical testing. Allele origin: germline. Affected: yes. Observed: 1 variant allele.

Labcorp Genetics (formerly Invitae), Labcorp
Classification: Likely benign for Distal myopathy with posterior leg and anterior hand involvement; Myofibrillar myopathy 5; Hypertrophic cardiomyopathy 26. Last evaluated: 2024-12-11. Review status: criteria provided, single submitter. Criteria: Invitae Variant Classification Sherloc (09022015). Collection method: clinical testing. Allele origin: germline.

Ambry Genetics
Classification: Uncertain significance for Cardiovascular phenotype. Last evaluated: 2021-09-09. Review status: criteria provided, single submitter. Criteria: Ambry Variant Classification Scheme 2023. Collection method: clinical testing. Allele origin: germline.
Comment: The p.R2467C variant (also known as c.7399C>T), located in coding exon 45 of the FLNC gene, results from a C to T substitution at nucleotide position 7399. The arginine at codon 2467 is replaced by cysteine, an amino acid with highly dissimilar properties. This amino acid position is conserved. In addition, this alteration is predicted to be deleterious by in silico analysis. Since supporting evidence is limited at this time, the clinical significance of this alteration remains unclear.

GeneDx
Classification: Uncertain significance. Last evaluated: 2020-11-25. Review status: criteria provided, single submitter. Criteria: GeneDx Variant Classification Process June 2021. Collection method: clinical testing. Allele origin: germline. Affected: yes.
Comment: Has not been previously published as pathogenic or benign to our knowledge; Not observed at a significant frequency in large population cohorts (Lek et al., 2016); In silico analysis supports that this missense variant has a deleterious effect on protein structure/function

Clinical Genetics DNA and cytogenetics Diagnostics Lab, Erasmus MC, Erasmus Medical Center
Classification: Uncertain significance. Review status: no assertion criteria provided. Collection method: clinical testing. Allele origin: germline. Affected: yes. Study: VKGL Data-share Consensus. Not counted in ClinVar's aggregate classification.

Diagnostic Laboratory, Department of Genetics, University Medical Center Groningen
Classification: Uncertain significance. Review status: no assertion criteria provided. Collection method: clinical testing. Allele origin: germline. Affected: yes. Study: VKGL Data-share Consensus. Not counted in ClinVar's aggregate classification.

NM_001458.5(FLNC):c.7399C>T (p.Arg2467Cys)

Genes: FLNC (filamin C; plus strand), FLNC-AS1 (FLNC antisense RNA 1; minus strand). Cytogenetic location: 7q32.1.
Variant type: single nucleotide variant.
Coding change: c.7399C>T on transcript NM_001458.5 (MANE Select); coding-DNA position 7399, C replaced by T.
Protein change: p.Arg2467Cys; replaces arginine 2467 with cysteine.
Molecular consequence: missense variant.
Genome position (GRCh38, 1-based): chr7:128,856,759, C>T. VCF-style: chr7-128856759-C-T. GRCh37 (hg19) VCF-style: chr7-128496813-C-T.
Other names: c.7300C>T, p.Arg2434Cys (NM_001127487.2); short protein forms R2467C, R2434C.
Identifiers: ClinVar variation 539368 (VCV000539368.23), dbSNP rs1278916117, ClinGen allele CA369217234.
Genomic context (GRCh38, chr7:128,856,759, plus strand): 5'-GGGGAGGGGAAGGATGGAGGCTAAGCCACCAACCCTTTATCCACAGACAAGCACACCATC[C>T]GCTTCATCCCCCACGAGAATGGCGTCCACTCCATCGATGTCAAGTTCAACGGTGCCCACA-3'
Protein context (NP_001449.3, residues 2457-2477): SELDSDKHTI[Arg2467Cys]FIPHENGVHS